The following is an entry in ClinVar:

NM_005045.4(RELN):c.652A>G (p.Ile218Val)

Gene: RELN (reelin; minus strand). Cytogenetic location: 7q22.1.
Variant type: single nucleotide variant.
Coding change: c.652A>G on transcript NM_005045.4 (MANE Select); coding-DNA position 652, A replaced by G.
Protein change: p.Ile218Val; replaces isoleucine 218 with valine.
Molecular consequence: missense variant.
Genome position (GRCh38, 1-based): chr7:103,749,430, T>C on the plus strand (A>G on the coding strand, the complement: RELN is on the minus strand). VCF-style: chr7-103749430-T-C. GRCh37 (hg19) VCF-style: chr7-103389877-T-C.
Other names: c.652A>G, p.Ile218Val (NM_173054.3); short protein forms I218V.
Identifiers: ClinVar variation 2092568 (VCV002092568.4), dbSNP rs1790937167, ClinGen allele CA368930204.
Genomic context (GRCh38, chr7:103,749,430, plus strand): 5'-TCAGCATCATTTGTTACATTAAGCAAACCAAAGTGAGGAATGTTCCTGTAACTTACCATA[T>C]ATTTGGATTTAATTGCAGTTGGTGGTAGGAGTCAAAGTCATCTCTCAGGATAATGCTGTC-3'
Protein context (NP_005036.2, residues 208-228): SYHQLQLNPN[Ile218Val]WVECNNCETG

ClinVar aggregate classification (germline): Uncertain significance (1 of 4 stars; one submission).

Conditions:
Norman-Roberts syndrome (LIS2). Also called: Lissencephaly 2 (Norman-Roberts type). Identifiers: Orphanet 89844, MedGen C0796089, MONDO:0009760, OMIM 257320.
Familial temporal lobe epilepsy 7. Identifiers: Orphanet 101046, MedGen C4225327, MONDO:0014639, OMIM 616436.

Allele frequency attached by ClinVar (database versions not stated): gnomAD 0.00001; gnomAD exomes 0.00001.
gnomAD v4.1: 9 of 1,610,730 alleles (0.00056%); highest among the groups gnomAD compares: African/African-American, 0.0013%; no homozygotes.

Submission:

Labcorp Genetics (formerly Invitae), Labcorp
Classification: Uncertain significance for Familial temporal lobe epilepsy 7; Norman-Roberts syndrome. Last evaluated: 2024-11-11. Review status: criteria provided, single submitter. Criteria: Invitae Variant Classification Sherloc (09022015). Collection method: clinical testing. Allele origin: germline.
Comment: This sequence change replaces isoleucine, which is neutral and non-polar, with valine, which is neutral and non-polar, at codon 218 of the RELN protein (p.Ile218Val). This variant is not present in population databases (gnomAD no frequency). This variant has not been reported in the literature in individuals affected with RELN-related conditions. ClinVar contains an entry for this variant (Variation ID: 2092568). Invitae Evidence Modeling of protein sequence and biophysical properties (such as structural, functional, and spatial information, amino acid conservation, physicochemical variation, residue mobility, and thermodynamic stability) indicates that this missense variant is not expected to disrupt RELN protein function with a negative predictive value of 80%. In summary, the available evidence is currently insufficient to determine the role of this variant in disease. Therefore, it has been classified as a Variant of Uncertain Significance.